The following is an entry in ClinVar:

ClinVar aggregate classification (germline): Conflicting classifications of pathogenicity. Review status: criteria provided, conflicting classifications (1 of 4 stars). 6 submissions from 6 submitters: Uncertain significance (3); Likely benign (2). 1 of the submissions does not count toward it. Last evaluated 2026-03-10.

Conditions:
BBS2-related disorder. Also called: BBS2-related disorders; BBS2-related condition. Identifiers: MedGen CN239228.
Bardet-Biedl syndrome (BBS). Identifiers: Orphanet 110, MedGen C0752166, MONDO:0015229.
Bardet-Biedl syndrome 2 (BBS2). Identifiers: Orphanet 110, MedGen C2936863, MONDO:0014432, OMIM 615981.
Retinitis pigmentosa 74 (RP74). Identifiers: Orphanet 791, MedGen C4225281, MONDO:0014692, OMIM 616562.
Inborn genetic diseases. Identifiers: MedGen C0950123, MeSH D030342.

Allele frequency attached by ClinVar (database versions not stated): ExAC 0.00003; gnomAD 0.00004; gnomAD exomes 0.00004 and 0.00012; TOPMed 0.00006.
gnomAD v4.1: 186 of 1,614,062 alleles (0.012%); highest among the groups gnomAD compares: Non-Finnish European, 0.014%; no homozygotes.

Submissions (6):

PreventionGenetics, part of Exact Sciences
Classification: Uncertain significance for BBS2-related condition. Last evaluated: 2026-03-10. Review status: criteria provided, single submitter. Criteria: ACMG Guidelines, 2015. Collection method: clinical testing. Allele origin: germline.
Comment: The BBS2 c.962C>T variant is predicted to result in the amino acid substitution p.Thr321Met. To our knowledge, this variant has not been reported in the literature. This variant is reported in 0.0062% of alleles in individuals of European (non-Finnish) descent in gnomAD. At this time, the clinical significance of this variant is uncertain due to the absence of conclusive functional and genetic evidence.

Fulgent Genetics
Classification: Uncertain significance for Bardet-Biedl syndrome 2; Retinitis pigmentosa 74. Last evaluated: 2024-06-14. Review status: criteria provided, single submitter. Criteria: ACMG Guidelines, 2015. Collection method: clinical testing. Allele origin: germline.

Blueprint Genetics
Classification: Likely benign. Last evaluated: 2024-02-21. Review status: criteria provided, single submitter. Criteria: ACMG Guidelines, 2015. Collection method: clinical testing. Allele origin: germline.

Ambry Genetics
Classification: Likely benign for Inborn genetic diseases. Last evaluated: 2023-07-11. Review status: criteria provided, single submitter. Criteria: Ambry Variant Classification Scheme 2023. Collection method: clinical testing. Allele origin: germline.

Labcorp Genetics (formerly Invitae), Labcorp
Classification: Uncertain significance for Bardet-Biedl syndrome. Last evaluated: 2022-09-28. Review status: criteria provided, single submitter. Criteria: Invitae Variant Classification Sherloc (09022015). Collection method: clinical testing. Allele origin: germline.
Comment: This sequence change replaces threonine, which is neutral and polar, with methionine, which is neutral and non-polar, at codon 321 of the BBS2 protein (p.Thr321Met). This variant is present in population databases (rs758548498, gnomAD 0.007%). This variant has not been reported in the literature in individuals affected with BBS2-related conditions. ClinVar contains an entry for this variant (Variation ID: 968281). Advanced modeling of protein sequence and biophysical properties (such as structural, functional, and spatial information, amino acid conservation, physicochemical variation, residue mobility, and thermodynamic stability) performed at Invitae indicates that this missense variant is not expected to disrupt BBS2 protein function. In summary, the available evidence is currently insufficient to determine the role of this variant in disease. Therefore, it has been classified as a Variant of Uncertain Significance.

Natera, Inc.
Classification: Uncertain significance for Bardet-Biedl syndrome type 2. Last evaluated: 2020-02-21. Review status: no assertion criteria provided. Collection method: clinical testing. Allele origin: germline. Not counted in ClinVar's aggregate classification.

NM_031885.5(BBS2):c.962C>T (p.Thr321Met)

Gene: BBS2 (Bardet-Biedl syndrome 2; minus strand). Cytogenetic location: 16q13.
Variant type: single nucleotide variant.
Coding change: c.962C>T on transcript NM_031885.5 (MANE Select); coding-DNA position 962, C replaced by T.
Protein change: p.Thr321Met; replaces threonine 321 with methionine.
Molecular consequence: missense variant. On other transcripts: non-coding transcript variant (5).
Genome position (GRCh38, 1-based): chr16:56,502,435, G>A on the plus strand (C>T on the coding strand, the complement: BBS2 is on the minus strand). VCF-style: chr16-56502435-G-A. GRCh37 (hg19) VCF-style: chr16-56536347-G-A.
Other names: c.962C>T, p.Thr321Met (NM_001377456.1); short protein forms T321M.
Identifiers: ClinVar variation 968281 (VCV000968281.12), dbSNP rs758548498, ClinGen allele CA8065856.